The following is an entry in ClinVar:

ClinVar aggregate classification (germline): Likely benign. Review status: criteria provided, multiple submitters, no conflicts (2 of 4 stars). 2 submissions from 2 submitters: Likely benign (2). Last evaluated 2018-01-13.

Conditions:
Holoprosencephaly 11 (HPE11). Identifiers: Orphanet 2162, MedGen C3280215, MONDO:0013642, OMIM 614226.

Allele frequency attached by ClinVar (database versions not stated): gnomAD 0.00013 and 0.00014; TOPMed 0.00013; ESP Exome Variant Server 0.00015.
gnomAD v4.1: 172 of 1,613,922 alleles (0.011%); highest among the groups gnomAD compares: African/African-American, 0.02%; no homozygotes.

Submissions (2):

Illumina Laboratory Services, Illumina
Classification: Likely benign for Holoprosencephaly 11. Last evaluated: 2018-01-13. Review status: criteria provided, single submitter. Criteria: ICSL Variant Classification Criteria 13 December 2019. Collection method: clinical testing. Allele origin: germline.
Comment: This variant was observed in the ICSL laboratory as part of a predisposition screen in an ostensibly healthy population. It had not been previously curated by ICSL or reported in the Human Gene Mutation Database (HGMD: prior to June 1st, 2018), and was therefore a candidate for classification through an automated scoring system. Utilizing variant allele frequency, disease prevalence and penetrance estimates, and inheritance mode, an automated score was calculated to assess if this variant is too frequent to cause the disease. Based on the score and internal cut-off values, a variant classified as likely benign is not then subjected to further curation. The score for this variant resulted in a classification of likely benign for this disease.

Labcorp Genetics (formerly Invitae), Labcorp
Classification: Likely benign. Last evaluated: 2017-10-25. Review status: criteria provided, single submitter. Criteria: Invitae Variant Classification Sherloc (09022015). Collection method: clinical testing. Allele origin: germline.

NM_001378964.1(CDON):c.1302G>A (p.Pro434=)

Gene: CDON (cell adhesion associated, oncogene regulated; minus strand). Cytogenetic location: 11q24.2.
Variant type: single nucleotide variant.
Coding change: c.1302G>A on transcript NM_001378964.1 (MANE Select); coding-DNA position 1302, G replaced by A.
Protein change: p.Pro434=; no amino-acid change (proline 434 retained).
Molecular consequence: synonymous variant.
Genome position (GRCh38, 1-based): chr11:126,010,591, C>T on the plus strand (G>A on the coding strand, the complement: CDON is on the minus strand). VCF-style: chr11-126010591-C-T. GRCh37 (hg19) VCF-style: chr11-125880486-C-T.
Other names: c.1302G>A, p.Pro434= (NM_001243597.3, NM_016952.6).
Identifiers: ClinVar variation 703754 (VCV000703754.7), dbSNP rs375157917, ClinGen allele CA6352062.